The following is an entry in ClinVar:

ClinVar aggregate classification (germline): Conflicting classifications of pathogenicity. Review status: criteria provided, conflicting classifications (1 of 4 stars). 2 submissions from 2 submitters: Uncertain significance (1); Likely benign (1). Last evaluated 2026-03-19.

Conditions:
LHX3-related disorder. Also called: LHX3-related condition.
Non-acquired combined pituitary hormone deficiency with spine abnormalities (CPHD3). Also called: Combined pituitary hormone deficiency type 3; Winkelman Bethge Pfeiffer syndrome; WBP syndrome. Identifiers: Orphanet 231720, MedGen C3489787, MONDO:0009091, OMIM 221750.

Allele frequency attached by ClinVar (database versions not stated): gnomAD 0.00018 and 0.00034; gnomAD exomes 0.00026 and 0.00052; TOPMed 0.00031; ExAC 0.00067; 1000 Genomes Project 0.00120; 1000 Genomes Project 30x 0.00156.

Submissions (2):

PreventionGenetics, part of Exact Sciences
Classification: Likely benign for LHX3-related condition. Last evaluated: 2026-03-19. Review status: criteria provided, single submitter. Criteria: ACMG Guidelines, 2015. Collection method: clinical testing. Allele origin: germline.
Comment: This variant is classified as likely benign based on ACMG/AMP sequence variant interpretation guidelines (Richards et al. 2015 PMID: 25741868, with internal and published modifications).

Illumina Laboratory Services, Illumina
Classification: Uncertain significance for Non-acquired combined pituitary hormone deficiency with spine abnormalities. Last evaluated: 2018-01-12. Review status: criteria provided, single submitter. Criteria: ICSL Variant Classification Criteria 13 December 2019. Collection method: clinical testing. Allele origin: germline.

NM_178138.6(LHX3):c.*9C>T

Gene: LHX3 (LIM homeobox 3; minus strand). Cytogenetic location: 9q34.3.
Variant type: single nucleotide variant.
Coding change: c.*9C>T on transcript NM_178138.6 (MANE Select); 9 bases downstream of the stop codon, C replaced by T.
Molecular consequence: 3 prime UTR variant.
Genome position (GRCh38, 1-based): chr9:136,197,316, G>A on the plus strand (C>T on the coding strand, the complement: LHX3 is on the minus strand). VCF-style: chr9-136197316-G-A. GRCh37 (hg19) VCF-style: chr9-139089162-G-A.
Other names: c.*9C>T (NM_001363746.1, NM_014564.5, NM_014564.4).
Identifiers: ClinVar variation 365814 (VCV000365814.6), dbSNP rs369623778, ClinGen allele CA5330237.